The following is an entry in ClinVar:

NM_002180.3(IGHMBP2):c.246C>T (p.Ser82=)

Gene: IGHMBP2 (immunoglobulin mu DNA binding protein 2; plus strand). Cytogenetic location: 11q13.3.
Variant type: single nucleotide variant.
Coding change: c.246C>T on transcript NM_002180.3 (MANE Select); coding-DNA position 246, C replaced by T.
Protein change: p.Ser82=; no amino-acid change (serine 82 retained).
Molecular consequence: synonymous variant.
Genome position (GRCh38, 1-based): chr11:68,906,228, C>T. VCF-style: chr11-68906228-C-T. GRCh37 (hg19) VCF-style: chr11-68673696-C-T.
Identifiers: ClinVar variation 392162 (VCV000392162.6), dbSNP rs1057524376, ClinGen allele CA16606395.

ClinVar aggregate classification (germline): Likely benign. Review status: criteria provided, multiple submitters, no conflicts (2 of 4 stars). 3 submissions from 3 submitters: Likely benign (3). Last evaluated 2024-07-18.

Conditions:
Inborn genetic diseases. Identifiers: MedGen C0950123, MeSH D030342.
Autosomal recessive distal spinal muscular atrophy 1. Also called: SEVERE INFANTILE AXONAL NEUROPATHY WITH RESPIRATORY FAILURE; SPINAL MUSCULAR ATROPHY, DIAPHRAGMATIC; Spinal muscular atrophy with respiratory distress 1; HMN VI; NEURONOPATHY, DISTAL HEREDITARY MOTOR, HARDING TYPE VI; NEUROPATHY, DISTAL HEREDITARY MOTOR, AUTOSOMAL RECESSIVE 1. Identifiers: Orphanet 98920, MedGen C1858517, MONDO:0011436, OMIM 604320.
Charcot-Marie-Tooth disease axonal type 2S. Also called: CHARCOT-MARIE-TOOTH NEUROPATHY, TYPE 2S; CHARCOT-MARIE-TOOTH DISEASE, AXONAL, AUTOSOMAL RECESSIVE, TYPE 2S. Identifiers: Orphanet 443073, MedGen C4015349, MONDO:0014511, OMIM 616155.

Allele frequency attached by ClinVar (database versions not stated): gnomAD 0.00001; gnomAD exomes 0.00001; TOPMed 0.00001.
gnomAD v4.1: 6 of 1,613,952 alleles (0.00037%); highest among the groups gnomAD compares: Non-Finnish European, 0.00051%; no homozygotes.

Submissions (3):

Labcorp Genetics (formerly Invitae), Labcorp
Classification: Likely benign for Autosomal recessive distal spinal muscular atrophy 1; Charcot-Marie-Tooth disease axonal type 2S. Last evaluated: 2024-07-18. Review status: criteria provided, single submitter. Criteria: Invitae Variant Classification Sherloc (09022015). Collection method: clinical testing. Allele origin: germline.

Ambry Genetics
Classification: Likely benign for Inborn genetic diseases. Last evaluated: 2019-07-11. Review status: criteria provided, single submitter. Criteria: Ambry Variant Classification Scheme 2023. Collection method: clinical testing. Allele origin: germline.

GeneDx
Classification: Likely benign. Last evaluated: 2016-12-20. Review status: criteria provided, single submitter. Criteria: GeneDx Variant Classification (06012015). Collection method: clinical testing. Allele origin: germline. Affected: yes.
Comment: This variant is considered likely benign or benign based on one or more of the following criteria: it is a conservative change, it occurs at a poorly conserved position in the protein, it is predicted to be benign by multiple in silico algorithms, and/or has population frequency not consistent with disease.